The following is an entry in ClinVar:

ClinVar aggregate classification (germline): Uncertain significance. Review status: criteria provided, multiple submitters, no conflicts (2 of 4 stars). 3 submissions from 3 submitters: Uncertain significance (3). Last evaluated 2026-06-29.

Conditions:
SCN9A-related disorder. Also called: SCN9A-related disorders; SCN9A-related condition.
Generalized epilepsy with febrile seizures plus, type 7 (GEFSP7). Also called: GEFS+, TYPE 7. Identifiers: Orphanet 36387, MedGen C2751778, MONDO:0013470, OMIM 613863.
Neuropathy, hereditary sensory and autonomic, type 2A (HSAN2A). Also called: MORVAN DISEASE; NEUROPATHY, CONGENITAL SENSORY; NEUROPATHY, HEREDITARY SENSORY RADICULAR, AUTOSOMAL RECESSIVE; NEUROPATHY, HEREDITARY SENSORY, TYPE IIA; NEUROPATHY, PROGRESSIVE SENSORY, OF CHILDREN; ACROOSTEOLYSIS, GIACCAI TYPE. Identifiers: Orphanet 970, MedGen C2752089, MONDO:0024309, OMIM 201300.
Inborn genetic diseases. Identifiers: MedGen C0950123, MeSH D030342.

Allele frequency attached by ClinVar (database versions not stated): TOPMed below 0.00001; gnomAD 0.00001; gnomAD exomes 0.00001; ExAC 0.00002.
gnomAD v4.1: 26 of 1,543,264 alleles (0.0017%); highest among the groups gnomAD compares: Non-Finnish European, 0.0023%; no homozygotes.

Submissions (3):

PreventionGenetics, part of Exact Sciences
Classification: Uncertain significance for SCN9A-related condition. Last evaluated: 2026-06-29. Review status: criteria provided, single submitter. Criteria: ACMG Guidelines, 2015. Collection method: clinical testing. Allele origin: germline.
Comment: The SCN9A c.2958G>T variant is predicted to result in the amino acid substitution p.Lys986Asn. This variant has been reported to be paternally-inherited in an individual with epilepsy and/or febrile seizures (Fang et al. 2023. PubMed ID: 38174099). This variant is reported in 0.0022% of alleles in individuals of European (non-Finnish) descent in gnomAD. At this time, the clinical significance of this variant is uncertain due to the absence of conclusive functional and genetic evidence.

Labcorp Genetics (formerly Invitae), Labcorp
Classification: Uncertain significance for Neuropathy, hereditary sensory and autonomic, type 2A; Generalized epilepsy with febrile seizures plus, type 7. Last evaluated: 2026-01-05. Review status: criteria provided, single submitter. Criteria: Invitae Variant Classification Sherloc (09022015). Collection method: clinical testing. Allele origin: germline.
Comment: This sequence change replaces lysine, which is basic and polar, with asparagine, which is neutral and polar, at codon 986 of the SCN9A protein (p.Lys986Asn). This variant is present in population databases (rs747287072, gnomAD 0.002%). This missense change has been observed in individual(s) with generalized epilepsy with febrile seizures plus (GEFS+) (PMID: 38174099). ClinVar contains an entry for this variant (Variation ID: 943117). Invitae Evidence Modeling of protein sequence and biophysical properties (such as structural, functional, and spatial information, amino acid conservation, physicochemical variation, residue mobility, and thermodynamic stability) indicates that this missense variant is not expected to disrupt SCN9A protein function with a negative predictive value of 95%. In summary, the available evidence is currently insufficient to determine the role of this variant in disease. Therefore, it has been classified as a Variant of Uncertain Significance.

Ambry Genetics
Classification: Uncertain significance for Inborn genetic diseases. Last evaluated: 2020-03-18. Review status: criteria provided, single submitter. Criteria: Ambry Variant Classification Scheme 2023. Collection method: clinical testing. Allele origin: germline.
Comment: The p.K986N variant (also known as c.2958G>T), located in coding exon 16 of the SCN9A gene, results from a G to T substitution at nucleotide position 2958. The lysine at codon 986 is replaced by asparagine, an amino acid with similar properties. This amino acid position is not well conserved in available vertebrate species. In addition, this alteration is predicted to be tolerated by in silico analysis. Since supporting evidence is limited at this time, the clinical significance of this alteration remains unclear.

Literature cited by the submitters: PubMed 38174099 (cited by Labcorp Genetics (formerly Invitae), Labcorp).

NM_001365536.1(SCN9A):c.2991G>T (p.Lys997Asn)

Genes: SCN1A-AS1 (SCN1A and SCN9A antisense RNA 1; plus strand), SCN9A (sodium voltage-gated channel alpha subunit 9; minus strand). Cytogenetic location: 2q24.3.
Variant type: single nucleotide variant.
Coding change: c.2991G>T on transcript NM_001365536.1 (MANE Select); coding-DNA position 2991, G replaced by T.
Protein change: p.Lys997Asn; replaces lysine 997 with asparagine.
Molecular consequence: missense variant.
Genome position (GRCh38, 1-based): chr2:166,272,759, C>A on the plus strand (G>T on the coding strand, the complement: SCN9A is on the minus strand). VCF-style: chr2-166272759-C-A. GRCh37 (hg19) VCF-style: chr2-167129269-C-A.
Other names: c.2958G>T, p.Lys986Asn (NM_002977.4); short protein forms K986N, K997N.
Identifiers: ClinVar variation 943117 (VCV000943117.12), dbSNP rs747287072, ClinGen allele CA1944158.